The following is an entry in ClinVar:

NM_001166108.2(PALLD):c.1965-13033C>T

Gene: PALLD (palladin, cytoskeletal associated protein; plus strand). Cytogenetic location: 4q32.3.
Variant type: single nucleotide variant.
Coding change: c.1965-13033C>T on transcript NM_001166108.2 (MANE Select); 13033 bases into the intron before coding-DNA position 1965, C replaced by T.
Molecular consequence: intron variant. On other transcripts: 5 prime UTR variant (1).
Genome position (GRCh38, 1-based): chr4:168,877,889, C>T. VCF-style: chr4-168877889-C-T. GRCh37 (hg19) VCF-style: chr4-169799040-C-T.
Other names: c.-3C>T (NM_001166110.2); c.1965-13033C>T (NM_016081.4); c.819-13033C>T (NM_001166109.2); c.-157-13033C>T (NM_001367570.1, NM_001367568.1, NM_001367567.1 and 1 more transcripts).
Identifiers: ClinVar variation 5026207 (VCV005026207.1).
Genomic context (GRCh38, chr4:168,877,889, plus strand): 5'-TTCCCGCCGCCGCCCGCCTTCCCCGAGCTCGCGGCCTGCACGCCGCCCGCGTCCCCGGAG[C>T]CCATGAGCGCGCTGGCCTCCCGCTCCGCCCCCGCCATGCAGTCCTCCGGCTCCTTCAACT-3'

ClinVar aggregate classification (germline): Uncertain significance (1 of 4 stars; one submission).

Submission:

Ambry Genetics
Classification: Uncertain significance. Last evaluated: 2026-07-09. Review status: criteria provided, single submitter. Criteria: Ambry Variant Classification Scheme 2023. Collection method: clinical testing. Allele origin: germline.
Comment: The c.-3C>T variant is located in the 5' untranslated region (5&rsquo; UTR) of the PALLD gene. This variant results from a C to T substitution 3 bases upstream from the first translated codon. This nucleotide position is well conserved in available vertebrate species. The evidence for this gene-disease relationship is limited; therefore, the clinical significance of this variant is unclear.